The following is an entry in ClinVar:

NM_000138.5(FBN1):c.8333T>C (p.Leu2778Pro)

Gene: FBN1 (fibrillin 1; minus strand). Cytogenetic location: 15q21.1.
Variant type: single nucleotide variant.
Coding change: c.8333T>C on transcript NM_000138.5 (MANE Select); coding-DNA position 8333, T replaced by C.
Protein change: p.Leu2778Pro; replaces leucine 2778 with proline.
Molecular consequence: missense variant.
Genome position (GRCh38, 1-based): chr15:48,411,273, A>G on the plus strand (T>C on the coding strand, the complement: FBN1 is on the minus strand). VCF-style: chr15-48411273-A-G. GRCh37 (hg19) VCF-style: chr15-48703470-A-G.
Other names: c.8333T>C, p.Leu2778Pro (NM_001406716.1); short protein forms L2778P.
Identifiers: ClinVar variation 3392568 (VCV003392568.1).

ClinVar aggregate classification (germline): Uncertain significance (1 of 4 stars; one submission).

Submission:

GeneDx
Classification: Uncertain significance. Last evaluated: 2024-06-25. Review status: criteria provided, single submitter. Criteria: GeneDx Variant Classification Process June 2021. Collection method: clinical testing. Allele origin: germline. Affected: yes.
Comment: Not observed at significant frequency in large population cohorts (gnomAD); Does not affect a cysteine or calcium-binding residue within an EGF-like domain or a TGF-binding protein domain of the FBN1 gene; cysteine substitutions in the EGF-like domains represent the majority of pathogenic missense changes associated with FBN1-related disorders (PMID: 12938084); In silico analysis supports that this missense variant has a deleterious effect on protein structure/function; This variant is associated with the following publications: (PMID: 12938084, 25652356)